The following is an entry in ClinVar:

ClinVar aggregate classification (germline): Uncertain significance (1 of 4 stars; one submission).

Allele frequency attached by ClinVar (database versions not stated): gnomAD exomes below 0.00001.
gnomAD v4.1: 1 of 1,610,844 alleles (0.000062%); highest among the groups gnomAD compares: Middle Eastern, 0.017%; no homozygotes.

Submission:

Labcorp Genetics (formerly Invitae), Labcorp
Classification: Uncertain significance. Last evaluated: 2023-12-11. Review status: criteria provided, single submitter. Criteria: Invitae Variant Classification Sherloc (09022015). Collection method: clinical testing. Allele origin: germline.
Comment: This sequence change replaces leucine, which is neutral and non-polar, with proline, which is neutral and non-polar, at codon 5119 of the PCLO protein (p.Leu5119Pro). This variant is not present in population databases (gnomAD no frequency). This variant has not been reported in the literature in individuals affected with PCLO-related conditions. ClinVar contains an entry for this variant (Variation ID: 1461920). Experimental studies and prediction algorithms are not available or were not evaluated, and the functional significance of this variant is currently unknown. In summary, the available evidence is currently insufficient to determine the role of this variant in disease. Therefore, it has been classified as a Variant of Uncertain Significance.

NM_033026.6(PCLO):c.15356T>C (p.Leu5119Pro)

Gene: PCLO (piccolo presynaptic cytomatrix protein; minus strand). Cytogenetic location: 7q21.11.
Variant type: single nucleotide variant.
Coding change: c.15356T>C on transcript NM_033026.6 (MANE Select); coding-DNA position 15356, T replaced by C.
Protein change: p.Leu5119Pro; replaces leucine 5119 with proline.
Molecular consequence: missense variant.
Genome position (GRCh38, 1-based): chr7:82,758,648, A>G on the plus strand (T>C on the coding strand, the complement: PCLO is on the minus strand). VCF-style: chr7-82758648-A-G. GRCh37 (hg19) VCF-style: chr7-82387964-A-G.
Other names: short protein forms L5119P.
Identifiers: ClinVar variation 1461920 (VCV001461920.8), dbSNP rs1790367655, ClinGen allele CA368019240.